The following is an entry in ClinVar:

ClinVar aggregate classification (germline): Uncertain significance (1 of 4 stars; one submission).

Submission:

Labcorp Genetics (formerly Invitae), Labcorp
Classification: Uncertain significance. Last evaluated: 2024-02-02. Review status: criteria provided, single submitter. Criteria: Invitae Variant Classification Sherloc (09022015). Collection method: clinical testing. Allele origin: germline.
Comment: This sequence change replaces arginine, which is basic and polar, with glutamine, which is neutral and polar, at codon 325 of the ELMOD3 protein (p.Arg325Gln). This variant is present in population databases (rs17850709, gnomAD 0.008%). This variant has not been reported in the literature in individuals affected with ELMOD3-related conditions. Advanced modeling of protein sequence and biophysical properties (such as structural, functional, and spatial information, amino acid conservation, physicochemical variation, residue mobility, and thermodynamic stability) performed at Invitae indicates that this missense variant is not expected to disrupt ELMOD3 protein function with a negative predictive value of 80%. In summary, the available evidence is currently insufficient to determine the role of this variant in disease. Therefore, it has been classified as a Variant of Uncertain Significance.

NM_001135022.2(ELMOD3):c.974G>A (p.Arg325Gln)

Gene: ELMOD3 (ELMO domain containing 3; plus strand). Cytogenetic location: 2p11.2.
Variant type: single nucleotide variant.
Coding change: c.974G>A on transcript NM_001135022.2 (MANE Select); coding-DNA position 974, G replaced by A.
Protein change: p.Arg325Gln; replaces arginine 325 with glutamine.
Molecular consequence: missense variant. On other transcripts: non-coding transcript variant (3), 3 prime UTR variant (1).
Genome position (GRCh38, 1-based): chr2:85,390,790, G>A. VCF-style: chr2-85390790-G-A. GRCh37 (hg19) VCF-style: chr2-85617913-G-A.
Other names: c.974G>A, p.Arg325Gln (NM_001135021.2, NM_001135023.2, NM_001329791.2 and 2 more transcripts); c.*292G>A (NM_032213.5); short protein forms R325Q.
Identifiers: ClinVar variation 3719514 (VCV003719514.2).